The following is an entry in ClinVar:

ClinVar aggregate classification (germline): Pathogenic. Review status: reviewed by expert panel (3 of 4 stars). 2 submissions from 2 submitters: Pathogenic (1). 1 of the submissions does not count toward it. Last evaluated 2026-06-23.

Conditions:
RPE65-related recessive retinopathy. Also called: Recessive RPE65 retinopathy. Identifiers: MedGen CN305526, MONDO:0100368.
Retinitis pigmentosa 20 (RP20). Identifiers: Orphanet 791, MedGen C3151086, MONDO:0013425, OMIM 613794.
Leber congenital amaurosis 2 (LCA2). Also called: AMAUROSIS CONGENITA OF LEBER II; Autosomal Recessive RPE65-Related Retinal Degeneration. Identifiers: Orphanet 65, MedGen C1859844, MONDO:0008765, OMIM 204100. Disease mechanism: loss of function.

Submissions (2):

ClinGen Leber Congenital Amaurosis/early Onset Retinal Dystrophy Variant Curation Expert Panel, ClinGen
Classification: Pathogenic for RPE65-related recessive retinopathy. Last evaluated: 2026-06-23. Review status: reviewed by expert panel. Criteria: ClinGen LCAeoRD ACMG Specifications RPE65 V1.0.0. Collection method: curation. Allele origin: germline. Inheritance: Autosomal recessive inheritance.
Comment: NM_000329.3(RPE65):c.1148T>G (p.Leu383Ter) is a nonsense variant that introduces a premature stop codon into exon 11 of 14, and is predicted to lead to nonsense-mediated decay in a gene in which loss-of-function is an established mechanism of disease (PVS1). This variant is absent from gnomAD v4.1.0 (PM2_Supporting). This variant has been reported in at least 1 proband with early-onset severe retinal dystrophy who was compound heterozygous with the NM_000329.3(RPE65):c.304G>T (p.Glu102Ter) variant confirmed in trans, which was previously classified pathogenic by the ClinGen LCA / eoRD VCEP (1 total point, PMID: 37704110, PM3). In summary, this variant meets the criteria to be classified as Pathogenic for RPE65-related recessive retinopathy based on the ACMG/AMP criteria applied, as specified by the ClinGen LCA / eoRD VCEP: PVS1, PM2_Supporting, and PM3. (VCEP specifications version 1.0.0; date of approval 09/21/2023).

Labcorp Genetics (formerly Invitae), Labcorp
Classification: Pathogenic for Leber congenital amaurosis 2; Retinitis pigmentosa 20. Last evaluated: 2022-11-09. Review status: criteria provided, single submitter. Criteria: Invitae Variant Classification Sherloc (09022015). Collection method: clinical testing. Allele origin: germline. Not counted in ClinVar's aggregate classification.
Comment: For these reasons, this variant has been classified as Pathogenic. This sequence change creates a premature translational stop signal (p.Leu383*) in the RPE65 gene. It is expected to result in an absent or disrupted protein product. Loss-of-function variants in RPE65 are known to be pathogenic (PMID: 9326941, 9501220, 9843205, 18632300). This variant is not present in population databases (gnomAD no frequency). This variant has not been reported in the literature in individuals affected with RPE65-related conditions.

Literature cited by the submitters: PubMed 9326941 (cited by Labcorp Genetics (formerly Invitae), Labcorp); PubMed 9501220 (cited by Labcorp Genetics (formerly Invitae), Labcorp); PubMed 9843205 (cited by Labcorp Genetics (formerly Invitae), Labcorp); PubMed 18632300 (cited by Labcorp Genetics (formerly Invitae), Labcorp).

NM_000329.3(RPE65):c.1148T>G (p.Leu383Ter)

Gene: RPE65 (retinoid isomerohydrolase RPE65; minus strand). Cytogenetic location: 1p31.3.
Variant type: single nucleotide variant.
Coding change: c.1148T>G on transcript NM_000329.3 (MANE Select); coding-DNA position 1148, T replaced by G.
Protein change: p.Leu383Ter; replaces leucine 383 with a stop codon.
Molecular consequence: nonsense.
Genome position (GRCh38, 1-based): chr1:68,431,566, A>C on the plus strand (T>G on the coding strand, the complement: RPE65 is on the minus strand). VCF-style: chr1-68431566-A-C. GRCh37 (hg19) VCF-style: chr1-68897249-A-C.
Other names: NM_000329.3(RPE65):c.1148T>G; p.Leu383Ter; c.1040T>G, p.Leu347Ter (NM_001406853.1); c.872T>G, p.Leu291Ter (NM_001406856.1, NM_001406857.1); short protein forms L347*, L291*, L383*.
Identifiers: ClinVar variation 2941442 (VCV002941442.4), dbSNP rs974466164, ClinGen allele CA23564445.